The following is an entry in ClinVar:

ClinVar aggregate classification (germline): Conflicting classifications of pathogenicity. Review status: criteria provided, conflicting classifications (1 of 4 stars). 4 submissions from 4 submitters: Uncertain significance (3); Likely benign (1). Last evaluated 2026-01-19.

Conditions:
Cardiovascular phenotype. Identifiers: MedGen CN230736.
Hypertrophic cardiomyopathy 26. Also called: Cardiomyopathy, familial hypertrophic, 26. Identifiers: Orphanet 75249, MedGen C4310749, MONDO:0014883, OMIM 617047.
Myofibrillar myopathy 5. Also called: FILAMINOPATHY, AUTOSOMAL DOMINANT; Filaminopathy (type). Identifiers: Orphanet 171445, MedGen C1836050, MONDO:0012289, OMIM 609524.
Distal myopathy with posterior leg and anterior hand involvement. Also called: WILLIAMS DISTAL MYOPATHY. Identifiers: Orphanet 63273, MedGen C3279722, MONDO:0013550, OMIM 614065.

Allele frequency attached by ClinVar (database versions not stated): gnomAD exomes 0.00002 and 0.00004; ExAC 0.00003; TOPMed 0.00007; gnomAD 0.00010; 1000 Genomes Project 0.00040; 1000 Genomes Project 30x 0.00047.
gnomAD v4.1: 71 of 1,611,272 alleles (0.0044%); highest among the groups gnomAD compares: Middle Eastern, 0.034%; no homozygotes.

Submissions (4):

Labcorp Genetics (formerly Invitae), Labcorp
Classification: Likely benign for Distal myopathy with posterior leg and anterior hand involvement; Myofibrillar myopathy 5; Hypertrophic cardiomyopathy 26. Last evaluated: 2026-01-19. Review status: criteria provided, single submitter. Criteria: Invitae Variant Classification Sherloc (09022015). Collection method: clinical testing. Allele origin: germline.

Ambry Genetics
Classification: Uncertain significance for Cardiovascular phenotype. Last evaluated: 2025-01-06. Review status: criteria provided, single submitter. Criteria: Ambry Variant Classification Scheme 2023. Collection method: clinical testing. Allele origin: germline.
Comment: The p.V1641I variant (also known as c.4921G>A), located in coding exon 28 of the FLNC gene, results from a G to A substitution at nucleotide position 4921. The valine at codon 1641 is replaced by isoleucine, an amino acid with highly similar properties. This amino acid position is well conserved in available vertebrate species. In addition, the in silico prediction for this alteration is inconclusive. Since supporting evidence is limited at this time, the clinical significance of this alteration remains unclear.

Mayo Clinic Laboratories, Mayo Clinic
Classification: Uncertain significance. Last evaluated: 2020-04-16. Review status: criteria provided, single submitter. Criteria: ACMG Guidelines, 2015. Collection method: clinical testing. Allele origin: germline. Observed: 1 variant allele.

Revvity Omics, Revvity
Classification: Uncertain significance. Last evaluated: 2019-09-27. Review status: criteria provided, single submitter. Criteria: ACMG Guidelines, 2015. Collection method: clinical testing. Allele origin: germline.

NM_001458.5(FLNC):c.4921G>A (p.Val1641Ile)

Gene: FLNC (filamin C; plus strand). Cytogenetic location: 7q32.1.
Variant type: single nucleotide variant.
Coding change: c.4921G>A on transcript NM_001458.5 (MANE Select); coding-DNA position 4921, G replaced by A.
Protein change: p.Val1641Ile; replaces valine 1641 with isoleucine.
Molecular consequence: missense variant.
Genome position (GRCh38, 1-based): chr7:128,848,976, G>A. VCF-style: chr7-128848976-G-A. GRCh37 (hg19) VCF-style: chr7-128489030-G-A.
Other names: c.4921G>A, p.Val1641Ile (NM_001127487.2); short protein forms V1641I.
Identifiers: ClinVar variation 651970 (VCV000651970.20), dbSNP rs575068215, ClinGen allele CA4475479.